The following is an entry in ClinVar:

NM_000143.4(FH):c.1209del (p.Phe403fs)

Gene: FH (fumarate hydratase; minus strand). Cytogenetic location: 1q43.
Variant type: Deletion.
Coding change: c.1209del on transcript NM_000143.4 (MANE Select); coding-DNA position 1209, one base deleted (T; older notation c.1209delT).
Protein change: p.Phe403fs; shifts the reading frame from phenylalanine 403.
Molecular consequence: frameshift variant.
Genome position (GRCh38, 1-based): chr1:241,502,470, A deleted on the plus strand (T on the coding strand, the reverse complement: FH is on the minus strand); the first of 4 consecutive A bases (chr1:241,502,470-241,502,473); deleting any one gives the same sequence. VCF-style (leftmost placement, unchanged base first): chr1-241502469-CA-C. GRCh37 (hg19) VCF-style: chr1-241665769-CA-C.
Other names: c.1209delT (NM_000143.3); c.1209del (NM_000143.3); short protein forms F403fs.
Identifiers: ClinVar variation 393580 (VCV000393580.15), dbSNP rs1060499644, ClinGen allele CA16609361.

ClinVar aggregate classification (germline): Pathogenic/Likely pathogenic. Review status: criteria provided, multiple submitters, no conflicts (2 of 4 stars). 5 submissions from 5 submitters: Pathogenic (3); Likely pathogenic (2). Last evaluated 2024-09-02.

Conditions:
Hereditary leiomyomatosis and renal cell cancer. Also called: LEIOMYOMA, MULTIPLE CUTANEOUS; MULTIPLE CUTANEOUS AND UTERINE LEIOMYOMATA 1, WITH OR WITHOUT RENAL CELL CARCINOMA; Reed syndrome; Multiple cutaneous and uterine leiomyomatosis; Cutaneous leiomyomata with uterine leiomyomata; Leiomyoma, hereditary multiple, of skin. Identifiers: Orphanet 523, MedGen C1708350, MONDO:0007888, OMIM 150800, HP:0007437. Disease mechanism: loss of function.
Fumarase deficiency (FMRD). Also called: Fumaric aciduria; Fumarate Hydratase Deficiency. Identifiers: Orphanet 24, MedGen C0342770, MONDO:0011730, OMIM 606812.
Hereditary cancer-predisposing syndrome. Also called: Neoplastic Syndromes, Hereditary; Hereditary Cancer Syndrome; Hereditary neoplastic syndrome; Tumor predisposition. Identifiers: Orphanet 140162, MedGen C0027672, MeSH D009386, MONDO:0015356.

Submissions (5):

Natera, Inc.
Classification: Likely pathogenic for Fumarase Deficiency. Last evaluated: 2024-09-02. Review status: criteria provided, single submitter. Criteria: Natera Variant Classification Schema (03/2026). Collection method: clinical testing. Allele origin: germline.
Comment: The c.1209del variant in FH is a frameshift variant predicted to shift the reading frame beginning at codon 403 and leads to a stop codon 3 codons downstream. This variant is expected to result in nonsense mediated decay, truncation, or a dysfunctional protein product. This variant is rare in the general population with a frequency below the threshold expected for the associated phenotype(s). Given the available evidence, this variant is classified as Likely Pathogenic.

Baylor Genetics
Classification: Likely pathogenic for Fumarase deficiency. Last evaluated: 2022-08-12. Review status: criteria provided, single submitter. Criteria: ACMG Guidelines, 2015. Collection method: clinical testing. Allele origin: unknown.

Ambry Genetics
Classification: Pathogenic for Hereditary cancer-predisposing syndrome. Last evaluated: 2022-05-24. Review status: criteria provided, single submitter. Criteria: Ambry Variant Classification Scheme 2023. Collection method: clinical testing. Allele origin: germline.
Comment: The c.1209delT pathogenic mutation, located in coding exon 8 of the FH gene, results from a deletion of one nucleotide at nucleotide position 1209, causing a translational frameshift with a predicted alternate stop codon (p.F403Lfs*3). This variant is considered to be rare based on population cohorts in the Genome Aggregation Database (gnomAD). In addition to the clinical data presented in the literature, this alteration is expected to result in loss of function by premature protein truncation or nonsense-mediated mRNA decay. As such, this alteration is interpreted as a disease-causing mutation.

Labcorp Genetics (formerly Invitae), Labcorp
Classification: Pathogenic. Last evaluated: 2020-11-05. Review status: criteria provided, single submitter. Criteria: Invitae Variant Classification Sherloc (09022015). Collection method: clinical testing. Allele origin: germline.
Comment: This sequence change creates a premature translational stop signal (p.Phe403Leufs*3) in the FH gene. It is expected to result in an absent or disrupted protein product. Loss-of-function variants in FH are known to be pathogenic (PMID: 11865300, 21398687). This variant is not present in population databases (ExAC no frequency). For these reasons, this variant has been classified as Pathogenic. This variant has been observed in individual(s) with renal cell cancer (PMID: 26556299). ClinVar contains an entry for this variant (Variation ID: 393580).

Genomic Diagnostic Laboratory, Division of Genomic Diagnostics, Children's Hospital of Philadelphia
Classification: Pathogenic for Hereditary leiomyomatosis and renal cell cancer. Last evaluated: 2017-01-17. Review status: criteria provided, single submitter. Criteria: DGD Variant Analysis Guidelines. Collection method: clinical testing. Allele origin: germline. Affected: yes. Observed: 1 variant allele.
Comment: Clinical Testing

Literature cited by the submitters: PubMed 26556299 (cited by Ambry Genetics and Labcorp Genetics (formerly Invitae), Labcorp); PubMed 11865300 (cited by Labcorp Genetics (formerly Invitae), Labcorp); PubMed 21398687 (cited by Labcorp Genetics (formerly Invitae), Labcorp).